The following is an entry in ClinVar:

NM_001204.7(BMPR2):c.1312A>G (p.Thr438Ala)

Gene: BMPR2 (bone morphogenetic protein receptor type 2; plus strand). Cytogenetic location: 2q33.2.
Variant type: single nucleotide variant.
Coding change: c.1312A>G on transcript NM_001204.7 (MANE Select); coding-DNA position 1312, A replaced by G.
Protein change: p.Thr438Ala; replaces threonine 438 with alanine.
Molecular consequence: missense variant.
Genome position (GRCh38, 1-based): chr2:202,542,346, A>G. VCF-style: chr2-202542346-A-G. GRCh37 (hg19) VCF-style: chr2-203407069-A-G.
Other names: short protein forms T438A.
Identifiers: ClinVar variation 4843381 (VCV004843381.1).

ClinVar aggregate classification (germline): Uncertain significance (1 of 4 stars; one submission).

Conditions:
Inborn genetic diseases. Identifiers: MedGen C0950123, MeSH D030342.

Submission:

Ambry Genetics
Classification: Uncertain significance for Inborn genetic diseases. Last evaluated: 2026-01-13. Review status: criteria provided, single submitter. Criteria: Ambry Variant Classification Scheme 2023. Collection method: clinical testing. Allele origin: germline.
Comment: The p.T438A variant (also known as c.1312A>G), located in coding exon 10 of the BMPR2 gene, results from an A to G substitution at nucleotide position 1312. The threonine at codon 438 is replaced by alanine, an amino acid with similar properties. This amino acid position is conserved. In addition, this alteration is predicted to be tolerated by in silico analysis. Based on the available evidence, the clinical significance of this variant remains unclear.